The following is an entry in ClinVar:

ClinVar aggregate classification (germline): Likely benign. Review status: criteria provided, multiple submitters, no conflicts (2 of 4 stars). 2 submissions from 2 submitters: Likely benign (2). Last evaluated 2025-02-01.

Allele frequency attached by ClinVar (database versions not stated): gnomAD 0.00032 and 0.00034; gnomAD exomes 0.00033 and 0.00041; TOPMed 0.00034; ExAC 0.00044; ESP Exome Variant Server 0.00046.
gnomAD v4.1: 622 of 1,589,386 alleles (0.039%); highest among the groups gnomAD compares: Non-Finnish European, 0.051%; no homozygotes.

Submissions (2):

CeGaT Center for Human Genetics Tuebingen
Classification: Likely benign. Last evaluated: 2025-02-01. Review status: criteria provided, single submitter. Criteria: CeGaT Center For Human Genetics Tuebingen Variant Classification Criteria Version 2. Collection method: clinical testing. Allele origin: germline. Affected: yes. Observed: 2 variant alleles.
Comment: SLC9A9: BP4

Blueprint Genetics
Classification: Likely benign. Last evaluated: 2024-11-21. Review status: criteria provided, single submitter. Criteria: ACMG Guidelines, 2015. Collection method: clinical testing. Allele origin: germline.

NM_173653.4(SLC9A9):c.456+6T>C

Gene: SLC9A9 (solute carrier family 9 member A9; minus strand). Cytogenetic location: 3q24.
Variant type: single nucleotide variant.
Coding change: c.456+6T>C on transcript NM_173653.4 (MANE Select); 6 bases into the intron after coding-DNA position 456, T replaced by C.
Molecular consequence: intron variant.
Genome position (GRCh38, 1-based): chr3:143,796,820, A>G on the plus strand (T>C on the coding strand, the complement: SLC9A9 is on the minus strand). VCF-style: chr3-143796820-A-G. GRCh37 (hg19) VCF-style: chr3-143515662-A-G.
Identifiers: ClinVar variation 1335541 (VCV001335541.36), dbSNP rs200274055, ClinGen allele CA2654193.